The following is an entry in ClinVar:

ClinVar aggregate classification (germline): Pathogenic (1 of 4 stars; one submission).

gnomAD v4.1: 1 of 1,575,390 alleles (0.000063%); highest among the groups gnomAD compares: Admixed American, 0.0018%; no homozygotes.

Submission:

Labcorp Genetics (formerly Invitae), Labcorp
Classification: Pathogenic. Last evaluated: 2025-04-17. Review status: criteria provided, single submitter. Criteria: Invitae Variant Classification Sherloc (09022015). Collection method: clinical testing. Allele origin: germline.
Comment: This sequence change creates a premature translational stop signal (p.Trp1356*) in the TUBGCP6 gene. It is expected to result in an absent or disrupted protein product. Loss-of-function variants in TUBGCP6 are known to be pathogenic (PMID: 25344692). This variant is not present in population databases (gnomAD no frequency). This variant has not been reported in the literature in individuals affected with TUBGCP6-related conditions. ClinVar contains an entry for this variant (Variation ID: 1070463). For these reasons, this variant has been classified as Pathogenic.

Literature cited by the submitters: PubMed 25344692.

NM_020461.4(TUBGCP6):c.4067G>A (p.Trp1356Ter)

Gene: TUBGCP6 (tubulin gamma complex component 6; minus strand). Cytogenetic location: 22q13.33.
Variant type: single nucleotide variant.
Coding change: c.4067G>A on transcript NM_020461.4 (MANE Select); coding-DNA position 4067, G replaced by A.
Protein change: p.Trp1356Ter; replaces tryptophan 1356 with a stop codon.
Molecular consequence: nonsense.
Genome position (GRCh38, 1-based): chr22:50,220,292, C>T on the plus strand (G>A on the coding strand, the complement: TUBGCP6 is on the minus strand). VCF-style: chr22-50220292-C-T. GRCh37 (hg19) VCF-style: chr22-50658721-C-T.
Other names: short protein forms W1356*.
Identifiers: ClinVar variation 1070463 (VCV001070463.7), dbSNP rs967859778, ClinGen allele CA325511622.